The following is an entry in ClinVar:

ClinVar aggregate classification (germline): Benign/Likely benign. Review status: criteria provided, multiple submitters, no conflicts (2 of 4 stars). 4 submissions from 4 submitters: Benign (1); Likely benign (3). Last evaluated 2026-08-18.

Conditions:
Hereditary cancer-predisposing syndrome. Also called: Hereditary neoplastic syndrome; Neoplastic Syndromes, Hereditary; Tumor predisposition; Hereditary Cancer Syndrome. Identifiers: Orphanet 140162, MedGen C0027672, MeSH D009386, MONDO:0015356.
DICER1-related tumor predisposition. Also called: DICER1 syndrome; DICER1-related pleuropulmonary blastoma cancer predisposition syndrome. Identifiers: Orphanet 284343, MedGen C3839822, MONDO:0100216.

Allele frequency attached by ClinVar (database versions not stated): gnomAD exomes below 0.00001.
gnomAD v4.1: 3 of 1,614,098 alleles (0.00019%); highest among the groups gnomAD compares: Non-Finnish European, 0.00025%; no homozygotes.

Submissions (4):

Myriad Genetics, Inc.
Classification: Benign for DICER1-related tumor predisposition. Last evaluated: 2026-08-18. Review status: criteria provided, single submitter. Criteria: Myriad Autosomal Dominant, Autosomal Recessive and X-Linked Classification Criteria (2023). Collection method: clinical testing. Allele origin: unknown.
Comment: This variant is considered benign. This variant is a silent/synonymous amino acid change and it is not expected to impact splicing.

Labcorp Genetics (formerly Invitae), Labcorp
Classification: Likely benign for DICER1-related tumor predisposition. Last evaluated: 2026-01-10. Review status: criteria provided, single submitter. Criteria: Invitae Variant Classification Sherloc (09022015). Collection method: clinical testing. Allele origin: germline.

Blueprint Genetics
Classification: Likely benign. Last evaluated: 2020-08-07. Review status: criteria provided, single submitter. Criteria: ACMG Guidelines, 2015. Collection method: clinical testing. Allele origin: germline.

Ambry Genetics
Classification: Likely benign for Hereditary cancer-predisposing syndrome. Last evaluated: 2019-05-16. Review status: criteria provided, single submitter. Criteria: Ambry Variant Classification Scheme 2023. Collection method: clinical testing. Allele origin: germline.

NM_177438.3(DICER1):c.5184C>A (p.Ser1728=)

Gene: DICER1 (dicer 1, ribonuclease III; minus strand). Cytogenetic location: 14q32.13.
Variant type: single nucleotide variant.
Coding change: c.5184C>A on transcript NM_177438.3 (MANE Select); coding-DNA position 5184, C replaced by A.
Protein change: p.Ser1728=; no amino-acid change (serine 1728 retained).
Molecular consequence: synonymous variant.
Genome position (GRCh38, 1-based): chr14:95,094,068, G>T on the plus strand (C>A on the coding strand, the complement: DICER1 is on the minus strand). VCF-style: chr14-95094068-G-T. GRCh37 (hg19) VCF-style: chr14-95560405-G-T.
Other names: c.5184C>A, p.Ser1728= (NM_001195573.1, NM_001271282.3, NM_001291628.2 and 1 more transcripts).
Identifiers: ClinVar variation 729379 (VCV000729379.18), dbSNP rs202004554, ClinGen allele CA265896371.